The following is an entry in ClinVar:

ClinVar aggregate classification (germline): Benign/Likely benign. Review status: criteria provided, multiple submitters, no conflicts (2 of 4 stars). 2 submissions from 2 submitters: Benign (1); Likely benign (1). Last evaluated 2018-01-12.

Conditions:
Cataract 4 multiple types. Also called: CATARACT 4, PUNCTATE; CATARACT 4, CRYSTALLINE; CATARACT 4, CENTRAL NUCLEAR; CATARACT 4, NONNUCLEAR POLYMORPHIC CONGENITAL; CATARACT 4, MULTIPLE TYPES, WITH OR WITHOUT MICROCORNEA; CATARACT 4 WITH MICROCORNEA. Identifiers: Orphanet 1377, MedGen C3540850, MONDO:0007281, OMIM 115700.

Allele frequency attached by ClinVar (database versions not stated): gnomAD exomes 0.00007 and 0.00010; gnomAD 0.00004 and 0.00007; TOPMed 0.00008; ExAC 0.00010; 1000 Genomes Project 30x 0.00031; 1000 Genomes Project 0.00040.
gnomAD v4.1: 102 of 1,611,656 alleles (0.0063%); highest among the groups gnomAD compares: East Asian, 0.21%; no homozygotes.

Submissions (2):

Illumina Laboratory Services, Illumina
Classification: Benign for Cataract 4 multiple types. Last evaluated: 2018-01-12. Review status: criteria provided, single submitter. Criteria: ICSL Variant Classification Criteria 13 December 2019. Collection method: clinical testing. Allele origin: germline.
Comment: This variant was observed in the ICSL laboratory as part of a predisposition screen in an ostensibly healthy population. It had not been previously curated by ICSL or reported in the Human Gene Mutation Database (HGMD: prior to June 1st, 2018), and was therefore a candidate for classification through an automated scoring system. Utilizing variant allele frequency, disease prevalence and penetrance estimates, and inheritance mode, an automated score was calculated to assess if this variant is too frequent to cause the disease. Based on the score and internal cut-off values, a variant classified as benign is not then subjected to further curation. The score for this variant resulted in a classification of benign for this disease.

PreventionGenetics, part of Exact Sciences
Classification: Likely benign. Review status: criteria provided, single submitter. Criteria: ACMG Guidelines, 2015. Collection method: clinical testing. Allele origin: germline.

NM_006891.4(CRYGD):c.189T>C (p.Tyr63=)

Genes: CRYGD (crystallin gamma D; minus strand), LOC100507443 (uncharacterized LOC100507443; plus strand). Cytogenetic location: 2q33.3.
Variant type: single nucleotide variant.
Coding change: c.189T>C on transcript NM_006891.4 (MANE Select); coding-DNA position 189, T replaced by C.
Protein change: p.Tyr63=; no amino-acid change (tyrosine 63 retained).
Molecular consequence: synonymous variant.
Genome position (GRCh38, 1-based): chr2:208,124,175, A>G on the plus strand (T>C on the coding strand, the complement: CRYGD is on the minus strand). VCF-style: chr2-208124175-A-G. GRCh37 (hg19) VCF-style: chr2-208988899-A-G.
Identifiers: ClinVar variation 260060 (VCV000260060.6), dbSNP rs200911604, ClinGen allele CA2077709.